The following is an entry in ClinVar:

ClinVar aggregate classification (germline): Uncertain significance. Review status: criteria provided, multiple submitters, no conflicts (2 of 4 stars). 5 submissions from 5 submitters: Uncertain significance (5). Last evaluated 2025-05-14.

Conditions:
Microcephaly, normal intelligence and immunodeficiency (NBS). Also called: Immunodeficiency, microcephaly with normal intelligence; Ataxia telangiectasia variant V1; IMMUNODEFICIENCY, MICROCEPHALY, AND CHROMOSOMAL INSTABILITY; BERLIN BREAKAGE SYNDROME; SEEMANOVA SYNDROME II; Nijmegen breakage syndrome. Identifiers: Orphanet 647, MedGen C0398791, MONDO:0009623, OMIM 251260.
Hereditary cancer-predisposing syndrome. Also called: Neoplastic Syndromes, Hereditary; Hereditary neoplastic syndrome; Tumor predisposition; Hereditary Cancer Syndrome. Identifiers: Orphanet 140162, MedGen C0027672, MeSH D009386, MONDO:0015356.

Allele frequency attached by ClinVar (database versions not stated): gnomAD exomes below 0.00001.

Submissions (5):

Women's Health and Genetics/Laboratory Corporation of America, LabCorp
Classification: Uncertain significance. Last evaluated: 2025-05-14. Review status: criteria provided, single submitter. Criteria: LabCorp Variant Classification Summary - May 2015. Collection method: clinical testing. Allele origin: germline.
Comment: Variant summary: NBN c.1286A>G (p.Tyr429Cys) results in a non-conservative amino acid change in the encoded protein sequence. Algorithms developed to predict the effect of missense changes on protein structure and function are either unavailable or do not agree on the potential impact of this missense change. The variant allele was found at a frequency of 3.8e-06 in 262587 control chromosomes (gnomad v2, Momozawa_2018). The available data on variant occurrences in the general population are insufficient to allow any conclusion about variant significance. To our knowledge, no occurrence of c.1286A>G in individuals affected with Nijmegen Breakage Syndrome and no experimental evidence demonstrating its impact on protein function have been reported. The following publication has been ascertained in the context of this evaluation (PMID: 30287823). ClinVar contains an entry for this variant (Variation ID: 530715). Based on the evidence outlined above, the variant was classified as uncertain significance.

Labcorp Genetics (formerly Invitae), Labcorp
Classification: Uncertain significance for Microcephaly, normal intelligence and immunodeficiency. Last evaluated: 2022-06-02. Review status: criteria provided, single submitter. Criteria: Invitae Variant Classification Sherloc (09022015). Collection method: clinical testing. Allele origin: germline.
Comment: This sequence change replaces tyrosine, which is neutral and polar, with cysteine, which is neutral and slightly polar, at codon 429 of the NBN protein (p.Tyr429Cys). This variant is present in population databases (rs370121348, gnomAD no frequency). This variant has not been reported in the literature in individuals affected with NBN-related conditions. ClinVar contains an entry for this variant (Variation ID: 530715). Algorithms developed to predict the effect of missense changes on protein structure and function output the following: SIFT: "Tolerated"; PolyPhen-2: "Benign"; Align-GVGD: "Class C0". The cysteine amino acid residue is found in multiple mammalian species, which suggests that this missense change does not adversely affect protein function. In summary, the available evidence is currently insufficient to determine the role of this variant in disease. Therefore, it has been classified as a Variant of Uncertain Significance.

Ambry Genetics
Classification: Uncertain significance for Hereditary cancer-predisposing syndrome. Last evaluated: 2022-01-11. Review status: criteria provided, single submitter. Criteria: Ambry Variant Classification Scheme 2023. Collection method: clinical testing. Allele origin: germline.
Comment: The p.Y429C variant (also known as c.1286A>G), located in coding exon 10 of the NBN gene, results from an A to G substitution at nucleotide position 1286. The tyrosine at codon 429 is replaced by cysteine, an amino acid with highly dissimilar properties. This alteration was observed with an allele frequency of 0.0000 in 7,051 unselected female breast cancer patients and was observed with an allele frequency of 0.00009 in 11,241 female controls of Japanese ancestry (Momozawa Y et al. Nat Commun, 2018 10;9:4083). This amino acid position is well conserved in available vertebrate species. In addition, this alteration is predicted to be tolerated by in silico analysis. Since supporting evidence is limited at this time, the clinical significance of this alteration remains unclear.

Genome-Nilou Lab
Classification: Uncertain significance for Microcephaly, normal intelligence and immunodeficiency. Last evaluated: 2021-11-07. Review status: criteria provided, single submitter. Criteria: ACMG Guidelines, 2015. Collection method: clinical testing. Allele origin: germline. Affected: no.

Sema4
Classification: Uncertain significance for Hereditary cancer-predisposing syndrome. Last evaluated: 2021-10-25. Review status: criteria provided, single submitter. Criteria: Sema4 Curation Guidelines. Collection method: curation. Allele origin: germline.
Comment: To the best of our knowledge, the NBN c.1286A>G (p.Y429C) variant has not been reported in individuals with NBN-related disease. It was not observed in the large and broad cohorts of the Genome Aggregation Database (PMID: 32461654). This variant has been reported in ClinVar (Variation ID: 530715). In silico tools suggest the impact of the variant on protein function is benign, though these predictions have not been confirmed by functional studies. The evidence is insufficient to meet ACMG/AMP criteria for classifying the variant as benign or pathogenic. Thus, the clinical significance of this variant is currently uncertain.

Literature cited by the submitters: PubMed 30287823 (cited by Women's Health and Genetics/Laboratory Corporation of America, LabCorp and Ambry Genetics).

NM_002485.5(NBN):c.1286A>G (p.Tyr429Cys)

Gene: NBN (nibrin; minus strand). Cytogenetic location: 8q21.3.
Variant type: single nucleotide variant.
Coding change: c.1286A>G on transcript NM_002485.5 (MANE Select); coding-DNA position 1286, A replaced by G.
Protein change: p.Tyr429Cys; replaces tyrosine 429 with cysteine.
Molecular consequence: missense variant.
Genome position (GRCh38, 1-based): chr8:89,955,394, T>C on the plus strand (A>G on the coding strand, the complement: NBN is on the minus strand). VCF-style: chr8-89955394-T-C. GRCh37 (hg19) VCF-style: chr8-90967622-T-C.
Other names: c.1040A>G, p.Tyr347Cys (NM_001024688.3); short protein forms Y429C, Y347C.
Identifiers: ClinVar variation 530715 (VCV000530715.15), dbSNP rs370121348, ClinGen allele CA181260442.
Genomic context (GRCh38, chr8:89,955,394, plus strand): 5'-TGCTGAGAAGCCCTATCTTTACTTTTATTTATACTTGGCAATTTAGTTGGTGAAAGCTGA[T>C]AGTTTGGGATTCTCATCTTAGCCAAAGTATTTGATACCATACTATTATTATTAGAGCTTG-3'
Protein context (NP_002476.2, residues 419-439): NTLAKMRIPN[Tyr429Cys]QLSPTKLPSI